The following is an entry in ClinVar:

NM_001371986.1(UNC80):c.2084A>G (p.Asn695Ser)

Gene: UNC80 (unc-80 homolog, NALCN channel complex subunit; plus strand). Cytogenetic location: 2q34.
Variant type: single nucleotide variant.
Coding change: c.2084A>G on transcript NM_001371986.1 (MANE Select); coding-DNA position 2084, A replaced by G.
Protein change: p.Asn695Ser; replaces asparagine 695 with serine.
Molecular consequence: missense variant.
Genome position (GRCh38, 1-based): chr2:209,820,432, A>G. VCF-style: chr2-209820432-A-G. GRCh37 (hg19) VCF-style: chr2-210685156-A-G.
Other names: c.2084A>G, p.Asn695Ser (NM_032504.2, NM_182587.4); short protein forms N695S.
Identifiers: ClinVar variation 1508494 (VCV001508494.4), dbSNP rs960869354, ClinGen allele CA64669415.

ClinVar aggregate classification (germline): Uncertain significance (1 of 4 stars; one submission).

Allele frequency attached by ClinVar (database versions not stated): gnomAD exomes 0.00001 and 0.00003; gnomAD 0.00003; TOPMed 0.00005.
gnomAD v4.1: 12 of 1,551,708 alleles (0.00077%); highest among the groups gnomAD compares: Admixed American, 0.018%; no homozygotes.

Submission:

Labcorp Genetics (formerly Invitae), Labcorp
Classification: Uncertain significance. Last evaluated: 2022-06-13. Review status: criteria provided, single submitter. Criteria: Invitae Variant Classification Sherloc (09022015). Collection method: clinical testing. Allele origin: germline.
Comment: This sequence change replaces asparagine, which is neutral and polar, with serine, which is neutral and polar, at codon 695 of the UNC80 protein (p.Asn695Ser). This variant is present in population databases (no rsID available, gnomAD 0.01%). This variant has not been reported in the literature in individuals affected with UNC80-related conditions. Algorithms developed to predict the effect of missense changes on protein structure and function are either unavailable or do not agree on the potential impact of this missense change (SIFT: "Not Available"; PolyPhen-2: "Benign"; Align-GVGD: "Not Available"). In summary, the available evidence is currently insufficient to determine the role of this variant in disease. Therefore, it has been classified as a Variant of Uncertain Significance.